The following is an entry in ClinVar:

NM_020778.5(ALPK3):c.3630G>C (p.Arg1210=)

Gene: ALPK3 (alpha kinase 3; plus strand). Cytogenetic location: 15q25.3.
Variant type: single nucleotide variant.
Coding change: c.3630G>C on transcript NM_020778.5 (MANE Select); coding-DNA position 3630, G replaced by C.
Protein change: p.Arg1210=; no amino-acid change (arginine 1210 retained).
Molecular consequence: synonymous variant.
Genome position (GRCh38, 1-based): chr15:84,858,368, G>C. VCF-style: chr15-84858368-G-C. GRCh37 (hg19) VCF-style: chr15-85401599-G-C.
Identifiers: ClinVar variation 4718892 (VCV004718892.1).

ClinVar aggregate classification (germline): Uncertain significance (1 of 4 stars; one submission).

Submission:

Labcorp Genetics (formerly Invitae), Labcorp
Classification: Uncertain significance. Last evaluated: 2025-08-13. Review status: criteria provided, single submitter. Criteria: Invitae Variant Classification Sherloc (09022015). Collection method: clinical testing. Allele origin: germline.
Comment: This sequence change affects codon 1412 of the ALPK3 mRNA. It is a 'silent' change, meaning that it does not change the encoded amino acid sequence of the ALPK3 protein. This variant is not present in population databases (gnomAD no frequency). This variant has not been reported in the literature in individuals affected with ALPK3-related conditions. Algorithms developed to predict the effect of sequence changes on RNA splicing suggest that this variant may create or strengthen a splice site. In summary, the available evidence is currently insufficient to determine the role of this variant in disease. Therefore, it has been classified as a Variant of Uncertain Significance.